The following is an entry in ClinVar:

ClinVar aggregate classification (germline): Conflicting classifications of pathogenicity. Review status: criteria provided, conflicting classifications (1 of 4 stars). 5 submissions from 5 submitters: Uncertain significance (4); Likely benign (1). Last evaluated 2026-06-27.

Conditions:
IFT140-related disorder. Also called: IFT140-related condition.
Inborn genetic diseases. Identifiers: MedGen C0950123, MeSH D030342.
Saldino-Mainzer syndrome (SRTD9). Also called: short-rib thoracic dysplasia 9 with or without polydactyly; Renal dysplasia, retinal pigmentary dystrophy, cerebellar ataxia and skeletal dysplasia; CONORENAL SYNDROME; SHORT-RIB THORACIC DYSPLASIA 9 WITHOUT POLYDACTYLY. Identifiers: Orphanet 140969, MedGen C1849437, MONDO:0009964, OMIM 266920.

Allele frequency attached by ClinVar (database versions not stated): ExAC 0.00004; gnomAD exomes 0.00004 and 0.00012; gnomAD 0.00024 and 0.00025; TOPMed 0.00030; 1000 Genomes Project 0.00040; 1000 Genomes Project 30x 0.00047.
gnomAD v4.1: 96 of 1,611,740 alleles (0.006%); highest among the groups gnomAD compares: Admixed American, 0.13%; no homozygotes.

Submissions (5):

PreventionGenetics, part of Exact Sciences
Classification: Uncertain significance for IFT140-related condition. Last evaluated: 2026-06-27. Review status: criteria provided, single submitter. Criteria: ACMG Guidelines, 2015. Collection method: clinical testing. Allele origin: germline.
Comment: The IFT140 c.3532A>G variant is predicted to result in the amino acid substitution p.Lys1178Glu. To our knowledge, this variant has not been reported in the literature. This variant is reported in 0.078% of alleles in individuals of Latino descent in gnomAD. Although we suspect that this variant may be benign, at this time, the clinical significance of this variant is uncertain due to the absence of conclusive functional and genetic evidence.

Labcorp Genetics (formerly Invitae), Labcorp
Classification: Likely benign for Saldino-Mainzer syndrome. Last evaluated: 2026-02-01. Review status: criteria provided, single submitter. Criteria: Invitae Variant Classification Sherloc (09022015). Collection method: clinical testing. Allele origin: germline.

Ambry Genetics
Classification: Uncertain significance for Inborn genetic diseases. Last evaluated: 2025-08-11. Review status: criteria provided, single submitter. Criteria: Ambry Variant Classification Scheme 2023. Collection method: clinical testing. Allele origin: germline.

Blueprint Genetics
Classification: Uncertain significance. Last evaluated: 2022-09-09. Review status: criteria provided, single submitter. Criteria: ACMG Guidelines, 2015. Collection method: clinical testing. Allele origin: germline.

GeneDx
Classification: Uncertain significance. Last evaluated: 2017-10-04. Review status: criteria provided, single submitter. Criteria: GeneDx Variant Classification (06012015). Collection method: clinical testing. Allele origin: germline. Affected: yes.
Comment: The K1178E variant in the IFT140 gene has not been reported previously as a pathogenic variant, nor as a benign variant, to our knowledge. The K1178E variant is observed in 27/33548 (0.08%) alleles from individuals of Latino background, in the ExAC dataset (Lek et al., 2016). The K1178E variant is a non-conservative amino acid substitution, which is likely to impact secondary protein structure as these residues differ in polarity, charge, size and/or other properties. This substitution occurs at a position that is conserved in mammals. In silico analysis predicts this variant is probably damaging to the protein structure/function. We interpret K1178E as a variant of uncertain significance.

NM_014714.4(IFT140):c.3532A>G (p.Lys1178Glu)

Gene: IFT140 (intraflagellar transport 140; minus strand). Cytogenetic location: 16p13.3.
Variant type: single nucleotide variant.
Coding change: c.3532A>G on transcript NM_014714.4 (MANE Select); coding-DNA position 3532, A replaced by G.
Protein change: p.Lys1178Glu; replaces lysine 1178 with glutamic acid.
Molecular consequence: missense variant.
Genome position (GRCh38, 1-based): chr16:1,520,730, T>C on the plus strand (A>G on the coding strand, the complement: IFT140 is on the minus strand). VCF-style: chr16-1520730-T-C. GRCh37 (hg19) VCF-style: chr16-1570731-T-C.
Other names: short protein forms K1178E.
Identifiers: ClinVar variation 452480 (VCV000452480.11), dbSNP rs538114464, ClinGen allele CA7813125.